The following is an entry in ClinVar:

ClinVar aggregate classification (germline): Uncertain significance (1 of 4 stars; one submission).

Conditions:
Ataxia-telangiectasia syndrome (AT). Also called: ATAXIA-TELANGIECTASIA, COMPLEMENTATION GROUP A; ATAXIA-TELANGIECTASIA, FRESNO VARIANT; Ataxia-telangiectasia; Ataxia-telangiectasia, complementation group E; LOUIS-BAR SYNDROME; Cerebello-oculocutaneous telangiectasia. Identifiers: Orphanet 100, MedGen C0004135, MONDO:0008840, OMIM 208900.

Submission:

Labcorp Genetics (formerly Invitae), Labcorp
Classification: Uncertain significance for Ataxia-telangiectasia syndrome. Last evaluated: 2025-07-14. Review status: criteria provided, single submitter. Criteria: Invitae Variant Classification Sherloc (09022015). Collection method: clinical testing. Allele origin: germline.
Comment: This sequence change replaces glutamic acid, which is acidic and polar, with lysine, which is basic and polar, at codon 2037 of the ATM protein (p.Glu2037Lys). This variant is not present in population databases (gnomAD no frequency). This variant has not been reported in the literature in individuals affected with ATM-related conditions. ClinVar contains an entry for this variant (Variation ID: 2100936). Invitae Evidence Modeling of protein sequence and biophysical properties (such as structural, functional, and spatial information, amino acid conservation, physicochemical variation, residue mobility, and thermodynamic stability) indicates that this missense variant is not expected to disrupt ATM protein function with a negative predictive value of 95%. In summary, the available evidence is currently insufficient to determine the role of this variant in disease. Therefore, it has been classified as a Variant of Uncertain Significance.

NM_000051.4(ATM):c.6109G>A (p.Glu2037Lys)

Genes: C11orf65 (chromosome 11 open reading frame 65; minus strand), ATM (ATM serine/threonine kinase; plus strand). Cytogenetic location: 11q22.3.
Variant type: single nucleotide variant.
Coding change: c.6109G>A on transcript NM_000051.4 (MANE Select); coding-DNA position 6109, G replaced by A.
Protein change: p.Glu2037Lys; replaces glutamic acid 2037 with lysine.
Molecular consequence: missense variant. On other transcripts: intron variant (2).
Genome position (GRCh38, 1-based): chr11:108,316,024, G>A. VCF-style: chr11-108316024-G-A. GRCh37 (hg19) VCF-style: chr11-108186751-G-A.
Other names: c.6109G>A, p.Glu2037Lys (NM_001351834.2); c.641-6953C>T (NM_001330368.2); c.*39-6953C>T (NM_001351110.2); short protein forms E2037K.
Identifiers: ClinVar variation 2100936 (VCV002100936.4), dbSNP rs1448711296, ClinGen allele CA382550349.